The following is an entry in ClinVar:

ClinVar aggregate classification (germline): Likely benign (0 of 4 stars; one submission).

Conditions:
RTN4R-related disorder. Also called: RTN4R-related condition.

Allele frequency attached by ClinVar (database versions not stated): gnomAD 0.00001; TOPMed 0.00001; gnomAD exomes 0.00002.
gnomAD v4.1: 22 of 1,550,522 alleles (0.0014%); highest among the groups gnomAD compares: East Asian, 0.054%; no homozygotes.

Submission:

PreventionGenetics, part of Exact Sciences
Classification: Likely benign for RTN4R-related condition. Last evaluated: 2019-12-16. Review status: no assertion criteria provided. Collection method: clinical testing. Allele origin: germline.
Comment: This variant is classified as likely benign based on ACMG/AMP sequence variant interpretation guidelines (Richards et al. 2015 PMID: 25741868, with internal and published modifications).

NM_023004.6(RTN4R):c.1398G>A (p.Leu466=)

Gene: RTN4R (reticulon 4 receptor; minus strand). Cytogenetic location: 22q11.21.
Variant type: single nucleotide variant.
Coding change: c.1398G>A on transcript NM_023004.6 (MANE Select); coding-DNA position 1398, G replaced by A.
Protein change: p.Leu466=; no amino-acid change (leucine 466 retained).
Molecular consequence: synonymous variant.
Genome position (GRCh38, 1-based): chr22:20,241,735, C>T on the plus strand (G>A on the coding strand, the complement: RTN4R is on the minus strand). VCF-style: chr22-20241735-C-T. GRCh37 (hg19) VCF-style: chr22-20229258-C-T.
Identifiers: ClinVar variation 3048153 (VCV003048153.2), dbSNP rs1309033080, ClinGen allele CA513692656.
Genomic context (GRCh38, chr22:20,241,735, plus strand): 5'-CCTGGCTGCTGAGCACGCTCTTGTGTCCGCTGGGGGTCAGCAGGGCCCAAGCACTGTCCA[C>T]AGCACCAGCGCCAGGCCCAGGGGGGTGAGGCTGCAGGTGAGGCTGGGTAGGGCACCTGAG-3'
Protein context (NP_075380.1, residues 456-473): SLTPLGLALV[Leu466=]WTVLGPC